The following is an entry in ClinVar:

ClinVar aggregate classification (germline): Likely benign. Review status: criteria provided, multiple submitters, no conflicts (2 of 4 stars). 2 submissions from 2 submitters: Likely benign (2). Last evaluated 2024-01-29.

Conditions:
RYR1-related disorder. Also called: RYR1-related condition; RYR1-related disorders. Identifiers: MedGen CN239331.
Malignant hyperthermia, susceptibility to, 1 (MHS1). Also called: RYR1-Related Malignant Hyperthermia Susceptibility; Malignant hyperthermia suceptibility 1; Anesthesia related hyperthermia; Malignant hyperpyrexia; Fulminating hyperpyrexia; Pharmacogenic myopathy. Identifiers: Orphanet 423, MedGen C2930980, MONDO:0007783, OMIM 145600.

Allele frequency attached by ClinVar (database versions not stated): gnomAD exomes 0.00001 and 0.00006; ExAC 0.00003.
gnomAD v4.1: 18 of 1,613,756 alleles (0.0011%); highest among the groups gnomAD compares: South Asian, 0.016%; 1 homozygote.

Submissions (2):

Labcorp Genetics (formerly Invitae), Labcorp
Classification: Likely benign for RYR1-related disorder. Last evaluated: 2024-01-29. Review status: criteria provided, single submitter. Criteria: Invitae Variant Classification Sherloc (09022015). Collection method: clinical testing. Allele origin: germline.

All of Us Research Program, National Institutes of Health
Classification: Likely benign for Malignant hyperthermia, susceptibility to, 1. Last evaluated: 2023-06-26. Review status: criteria provided, single submitter. Criteria: ACMG Guidelines, 2015. Collection method: clinical testing. Allele origin: germline. Inheritance: Autosomal dominant inheritance. Observed: 1 variant allele, 1 heterozygote.
Comment: This study involves interpretation of variants in research participants for the purpose of population health screening. Participant phenotype was not available at the time of variant classification. Additional details can be found in publication PMID: 35346344, PMCID: PMC8962531

NM_000540.3(RYR1):c.14647-10C>T

Gene: RYR1 (ryanodine receptor 1; plus strand). Cytogenetic location: 19q13.2.
Variant type: single nucleotide variant.
Coding change: c.14647-10C>T on transcript NM_000540.3 (MANE Select); 10 bases into the intron before coding-DNA position 14647, C replaced by T.
Molecular consequence: intron variant.
Genome position (GRCh38, 1-based): chr19:38,584,933, C>T. VCF-style: chr19-38584933-C-T. GRCh37 (hg19) VCF-style: chr19-39075573-C-T.
Other names: c.14632-10C>T (NM_001042723.2).
Identifiers: ClinVar variation 1543153 (VCV001543153.9), dbSNP rs780321710, ClinGen allele CA061475.
Genomic context (GRCh38, chr19:38,584,933, plus strand): 5'-ATCCCGGGGCCTTGGCTGGTACTCAGTGAATGTCGAATGAATGAGTGACCAGTGTGCTCC[C>T]CTCCCTCAGTGTTACCTGTTTCACATGTACGTGGGTGTCCGGGCTGGCGGAGGCATTGGG-3'